The following is an entry in ClinVar:

ClinVar aggregate classification (germline): Likely pathogenic. Review status: criteria provided, multiple submitters, no conflicts (2 of 4 stars). 2 submissions from 2 submitters: Likely pathogenic (2). Last evaluated 2026-01-20.

Conditions:
Breast-ovarian cancer, familial, susceptibility to, 4. Identifiers: Orphanet 145, MedGen C3280345, MONDO:0013669, OMIM 614291.

Submissions (2):

Labcorp Genetics (formerly Invitae), Labcorp
Classification: Likely pathogenic for Breast-ovarian cancer, familial, susceptibility to, 4. Last evaluated: 2026-01-20. Review status: criteria provided, single submitter. Criteria: Invitae Variant Classification Sherloc (09022015). Collection method: clinical testing. Allele origin: germline.
Comment: This sequence change affects an acceptor splice site in intron 5 of the RAD51D gene. It is expected to disrupt RNA splicing. Variants that disrupt the donor or acceptor splice site typically lead to a loss of protein function (PMID: 16199547), and loss-of-function variants in RAD51D are known to be pathogenic (PMID: 21822267). This variant is not present in population databases (gnomAD no frequency). This variant has not been reported in the literature in individuals affected with RAD51D-related conditions. ClinVar contains an entry for this variant (Variation ID: 849827). Algorithms developed to predict the effect of sequence changes on RNA splicing suggest that this variant may disrupt the consensus splice site. In summary, the currently available evidence indicates that the variant is pathogenic, but additional data are needed to prove that conclusively. Therefore, this variant has been classified as Likely Pathogenic.

Myriad Genetics, Inc.
Classification: Likely pathogenic for Breast-ovarian cancer, familial, susceptibility to, 4. Last evaluated: 2025-01-17. Review status: criteria provided, single submitter. Criteria: Myriad Autosomal Dominant, Autosomal Recessive and X-Linked Classification Criteria (2023). Collection method: clinical testing. Allele origin: unknown.
Comment: This variant is considered likely pathogenic. This variant occurs within a consensus splice junction and is predicted to result in abnormal mRNA splicing of either an out-of-frame exon or an in-frame exon necessary for protein stability and/or normal function.

Literature cited by the submitters: PubMed 16199547 (cited by Labcorp Genetics (formerly Invitae), Labcorp); PubMed 21822267 (cited by Labcorp Genetics (formerly Invitae), Labcorp).

NM_002878.4(RAD51D):c.481-1G>A

Genes: RAD51D (RAD51 paralog D; minus strand), RAD51L3-RFFL (RAD51L3-RFFL readthrough; minus strand). Cytogenetic location: 17q12.
Variant type: single nucleotide variant.
Coding change: c.481-1G>A on transcript NM_002878.4 (MANE Select); the canonical splice acceptor site of the intron before coding-DNA position 481, G replaced by A.
Molecular consequence: splice acceptor variant.
Genome position (GRCh38, 1-based): chr17:35,106,482, C>T on the plus strand (G>A on the coding strand, the complement: RAD51D is on the minus strand). VCF-style: chr17-35106482-C-T. GRCh37 (hg19) VCF-style: chr17-33433501-C-T.
Other names: c.145-1G>A (NM_133629.3); c.541-1G>A (NM_001142571.2).
Identifiers: ClinVar variation 849827 (VCV000849827.8), dbSNP rs2091605445, ClinGen allele CA399089096.